The following is an entry in ClinVar:

NM_172070.4(UBR3):c.3067A>G (p.Asn1023Asp)

Gene: UBR3 (ubiquitin protein ligase E3 component n-recognin 3; plus strand). Cytogenetic location: 2q31.1.
Variant type: single nucleotide variant.
Coding change: c.3067A>G on transcript NM_172070.4 (MANE Select); coding-DNA position 3067, A replaced by G.
Protein change: p.Asn1023Asp; replaces asparagine 1023 with aspartic acid.
Molecular consequence: missense variant.
Genome position (GRCh38, 1-based): chr2:169,947,698, A>G. VCF-style: chr2-169947698-A-G. GRCh37 (hg19) VCF-style: chr2-170804208-A-G.
Other names: short protein forms N1023D.
Identifiers: ClinVar variation 3047164 (VCV003047164.2), dbSNP rs371600131, ClinGen allele CA1959986.
Genomic context (GRCh38, chr2:169,947,698, plus strand): 5'-AGAGTTCCAGAGACTGCTCCTGAAGTAAAGAGAGACTCACCTGCAAGTACTAGCTCTGAT[A>G]ACTTGGGTTCTTTACAAGTAAGTGTAAATGTAAGAAAGAAAATAAGAAAAAGCTTTATGT-3'
Protein context (NP_742067.3, residues 1013-1033): RDSPASTSSD[Asn1023Asp]LGSLQNSGTA

ClinVar aggregate classification (germline): Likely benign (0 of 4 stars; one submission).

Conditions:
UBR3-related disorder. Also called: UBR3-related condition.

Allele frequency attached by ClinVar (database versions not stated): gnomAD exomes 0.00002; TOPMed 0.00003; ExAC 0.00005; gnomAD 0.00006; 1000 Genomes Project 0.00040; 1000 Genomes Project 30x 0.00047.

Submission:

PreventionGenetics, part of Exact Sciences
Classification: Likely benign for UBR3-related condition. Last evaluated: 2019-04-01. Review status: no assertion criteria provided. Collection method: clinical testing. Allele origin: germline.
Comment: This variant is classified as likely benign based on ACMG/AMP sequence variant interpretation guidelines (Richards et al. 2015 PMID: 25741868, with internal and published modifications).